The following is an entry in ClinVar:

ClinVar aggregate classification (germline): Uncertain significance (1 of 4 stars; one submission).

Allele frequency attached by ClinVar (database versions not stated): ExAC 0.00002; 1000 Genomes Project 0.00040; 1000 Genomes Project 30x 0.00047.
gnomAD v4.1: 14 of 1,614,180 alleles (0.00087%); highest among the groups gnomAD compares: Middle Eastern, 0.016%; no homozygotes.

Submission:

Labcorp Genetics (formerly Invitae), Labcorp
Classification: Uncertain significance. Last evaluated: 2022-10-18. Review status: criteria provided, single submitter. Criteria: Invitae Variant Classification Sherloc (09022015). Collection method: clinical testing. Allele origin: germline.
Comment: This sequence change replaces arginine, which is basic and polar, with histidine, which is basic and polar, at codon 522 of the NBAS protein (p.Arg522His). This variant is present in population databases (rs555950436, gnomAD 0.006%). This variant has not been reported in the literature in individuals affected with NBAS-related conditions. Advanced modeling of protein sequence and biophysical properties (such as structural, functional, and spatial information, amino acid conservation, physicochemical variation, residue mobility, and thermodynamic stability) performed at Invitae indicates that this missense variant is not expected to disrupt NBAS protein function. In summary, the available evidence is currently insufficient to determine the role of this variant in disease. Therefore, it has been classified as a Variant of Uncertain Significance.

NM_015909.4(NBAS):c.1565G>A (p.Arg522His)

Gene: NBAS (NBAS subunit of NRZ tethering complex; minus strand). Cytogenetic location: 2p24.3.
Variant type: single nucleotide variant.
Coding change: c.1565G>A on transcript NM_015909.4 (MANE Select); coding-DNA position 1565, G replaced by A.
Protein change: p.Arg522His; replaces arginine 522 with histidine.
Molecular consequence: missense variant. On other transcripts: non-coding transcript variant (1).
Genome position (GRCh38, 1-based): chr2:15,474,101, C>T on the plus strand (G>A on the coding strand, the complement: NBAS is on the minus strand). VCF-style: chr2-15474101-C-T. GRCh37 (hg19) VCF-style: chr2-15614225-C-T.
Other names: short protein forms R522H.
Identifiers: ClinVar variation 1960559 (VCV001960559.2), dbSNP rs555950436, ClinGen allele CA1536646.